The following is an entry in ClinVar:

ClinVar aggregate classification (germline): Uncertain significance (0 of 4 stars; one submission).

Conditions:
TSHB-related disorder. Also called: TSHB-related condition.

Submission:

PreventionGenetics, part of Exact Sciences
Classification: Uncertain significance for TSHB-related condition. Last evaluated: 2023-10-18. Review status: no assertion criteria provided. Collection method: clinical testing. Allele origin: germline.
Comment: The TSHB c.2T>C variant is predicted to disrupt the translation initiation site (Start loss). This variant was reported along with another TSHB variant in a patient with central hypothyroidism (Nicholas et al. 2017. PubMed ID: 27362444). This variant has not been reported in a large population database, indicating this variant is rare. At this time, the clinical significance of this variant is uncertain due to the absence of conclusive functional and genetic evidence.

NM_000549.5(TSHB):c.163-26T>C

Gene: TSHB (thyroid stimulating hormone subunit beta; plus strand). Cytogenetic location: 1p13.2.
Variant type: single nucleotide variant.
Coding change: c.163-26T>C on transcript NM_000549.5 (MANE Select); 26 bases into the intron before coding-DNA position 163, T replaced by C.
Molecular consequence: intron variant. On other transcripts: missense variant (1), initiator codon variant (1).
Genome position (GRCh38, 1-based): chr1:115,033,947, T>C. VCF-style: chr1-115033947-T-C. GRCh37 (hg19) VCF-style: chr1-115576568-T-C.
Other names: c.2T>C, p.Met1Thr (NM_001277991.1); short protein forms M1T.
Identifiers: ClinVar variation 3031621 (VCV003031621.2), dbSNP rs2526216485, ClinGen allele CA2740090330.